The following is an entry in ClinVar:

NM_000037.4(ANK1):c.5051C>T (p.Thr1684Ile)

Gene: ANK1 (ankyrin 1; minus strand). Cytogenetic location: 8p11.21.
Variant type: single nucleotide variant.
Coding change: c.5051C>T on transcript NM_000037.4 (MANE Select); coding-DNA position 5051, C replaced by T.
Protein change: p.Thr1684Ile; replaces threonine 1684 with isoleucine.
Molecular consequence: missense variant.
Genome position (GRCh38, 1-based): chr8:41,672,399, G>A on the plus strand (C>T on the coding strand, the complement: ANK1 is on the minus strand). VCF-style: chr8-41672399-G-A. GRCh37 (hg19) VCF-style: chr8-41529917-G-A.
Other names: c.5174C>T, p.Thr1725Ile (NM_001142446.2); c.5051C>T, p.Thr1684Ile (NM_020475.3, NM_020476.3); c.4565C>T, p.Thr1522Ile (NM_020477.3); short protein forms T1684I, T1725I, T1522I.
Identifiers: ClinVar variation 617977 (VCV000617977.12), dbSNP rs376601712, ClinGen allele CA4727402.

ClinVar aggregate classification (germline): Uncertain significance. Review status: criteria provided, multiple submitters, no conflicts (2 of 4 stars). 2 submissions from 2 submitters: Uncertain significance (2). Last evaluated 2022-12-29.

Conditions:
Hereditary spherocytosis type 1. Also called: Spherocytosis type 1; ANK1-Related Spherocytosis. Identifiers: Orphanet 822, MedGen C2674218, MONDO:0008447, OMIM 182900.

Allele frequency attached by ClinVar (database versions not stated): gnomAD 0.00006; gnomAD exomes 0.00006 and 0.00007; TOPMed 0.00006; ExAC 0.00009; ESP Exome Variant Server 0.00015.
gnomAD v4.1: 108 of 1,614,098 alleles (0.0067%); highest among the groups gnomAD compares: Middle Eastern, 0.082%; no homozygotes.

Submissions (2):

Labcorp Genetics (formerly Invitae), Labcorp
Classification: Uncertain significance. Last evaluated: 2022-12-29. Review status: criteria provided, single submitter. Criteria: Invitae Variant Classification Sherloc (09022015). Collection method: clinical testing. Allele origin: germline.
Comment: In summary, the available evidence is currently insufficient to determine the role of this variant in disease. Therefore, it has been classified as a Variant of Uncertain Significance. Algorithms developed to predict the effect of missense changes on protein structure and function (SIFT, PolyPhen-2, Align-GVGD) all suggest that this variant is likely to be tolerated. ClinVar contains an entry for this variant (Variation ID: 617977). This variant has not been reported in the literature in individuals affected with ANK1-related conditions. This variant is present in population databases (rs376601712, gnomAD 0.02%). This sequence change replaces threonine, which is neutral and polar, with isoleucine, which is neutral and non-polar, at codon 1684 of the ANK1 protein (p.Thr1684Ile).

ARUP Laboratories, Molecular Genetics and Genomics, ARUP Laboratories
Classification: Uncertain significance for Hereditary spherocytosis type 1. Last evaluated: 2020-04-10. Review status: criteria provided, single submitter. Criteria: ARUP Molecular Germline Variant Investigation Process. Collection method: clinical testing. Allele origin: germline.